The following is an entry in ClinVar:

ClinVar aggregate classification (germline): Uncertain significance (1 of 4 stars; one submission).

Conditions:
Hereditary cancer-predisposing syndrome. Also called: Tumor predisposition; Hereditary Cancer Syndrome; Hereditary neoplastic syndrome; Neoplastic Syndromes, Hereditary. Identifiers: Orphanet 140162, MedGen C0027672, MeSH D009386, MONDO:0015356.

Submission:

Ambry Genetics
Classification: Uncertain significance for Hereditary cancer-predisposing syndrome. Last evaluated: 2025-09-20. Review status: criteria provided, single submitter. Criteria: Ambry Variant Classification Scheme 2023. Collection method: clinical testing. Allele origin: germline.
Comment: The p.I139M variant (also known as c.417C>G), located in coding exon 4 of the SDHA gene, results from a C to G substitution at nucleotide position 417. The isoleucine at codon 139 is replaced by methionine, an amino acid with highly similar properties. This amino acid position is conserved. In addition, the in silico prediction for this alteration is inconclusive. Based on the available evidence, the clinical significance of this variant remains unclear.

NM_004168.4(SDHA):c.417C>G (p.Ile139Met)

Gene: SDHA (succinate dehydrogenase complex flavoprotein subunit A; plus strand). Cytogenetic location: 5p15.33.
Variant type: single nucleotide variant.
Coding change: c.417C>G on transcript NM_004168.4 (MANE Select); coding-DNA position 417, C replaced by G.
Protein change: p.Ile139Met; replaces isoleucine 139 with methionine.
Molecular consequence: missense variant. On other transcripts: intron variant (1).
Genome position (GRCh38, 1-based): chr5:225,523, C>G. VCF-style: chr5-225523-C-G. GRCh37 (hg19) VCF-style: chr5-225638-C-G.
Other names: c.417C>G, p.Ile139Met (NM_001330758.2); c.313-360C>G (NM_001294332.2); short protein forms I139M.
Identifiers: ClinVar variation 4546682 (VCV004546682.1).